The following is an entry in ClinVar:

NM_000051.4(ATM):c.4749C>A (p.Tyr1583Ter)

Gene: ATM (ATM serine/threonine kinase; plus strand). Cytogenetic location: 11q22.3.
Variant type: single nucleotide variant.
Coding change: c.4749C>A on transcript NM_000051.4 (MANE Select); coding-DNA position 4749, C replaced by A.
Protein change: p.Tyr1583Ter; replaces tyrosine 1583 with a stop codon.
Molecular consequence: nonsense.
Genome position (GRCh38, 1-based): chr11:108,293,450, C>A. VCF-style: chr11-108293450-C-A. GRCh37 (hg19) VCF-style: chr11-108164177-C-A.
Other names: c.4749C>A, p.Tyr1583Ter (NM_001351834.2); short protein forms Y1583*.
Identifiers: ClinVar variation 2835117 (VCV002835117.4), dbSNP rs1555100597, ClinGen allele CA382535105.

ClinVar aggregate classification (germline): Pathogenic. Review status: criteria provided, multiple submitters, no conflicts (2 of 4 stars). 2 submissions from 2 submitters: Pathogenic (2). Last evaluated 2024-01-24.

Conditions:
Familial cancer of breast. Also called: BREAST CANCER, FAMILIAL; Hereditary breast cancer; hereditary breast carcinoma. Identifiers: Orphanet 227535, MedGen C0346153, MONDO:0016419, OMIM 114480. Disease mechanism: loss of function.
Ataxia-telangiectasia syndrome (AT). Also called: LOUIS-BAR SYNDROME; Ataxia-telangiectasia, complementation group D; ATAXIA-TELANGIECTASIA, COMPLEMENTATION GROUP A; ATAXIA-TELANGIECTASIA, FRESNO VARIANT; Ataxia-telangiectasia; Ataxia telangiectasia (A-T). Identifiers: Orphanet 100, MedGen C0004135, MONDO:0008840, OMIM 208900.

Submissions (2):

Myriad Genetics, Inc.
Classification: Pathogenic for Familial cancer of breast. Last evaluated: 2024-01-24. Review status: criteria provided, single submitter. Criteria: Myriad Autosomal Dominant, Autosomal Recessive and X-Linked Classification Criteria (2023). Collection method: clinical testing. Allele origin: unknown.
Comment: This variant is considered pathogenic. This variant creates a termination codon and is predicted to result in premature protein truncation.

Labcorp Genetics (formerly Invitae), Labcorp
Classification: Pathogenic for Ataxia-telangiectasia syndrome. Last evaluated: 2023-02-07. Review status: criteria provided, single submitter. Criteria: Invitae Variant Classification Sherloc (09022015). Collection method: clinical testing. Allele origin: germline.
Comment: For these reasons, this variant has been classified as Pathogenic. This premature translational stop signal has been observed in individual(s) with breast cancer (PMID: 28724667, 30607632). This variant is not present in population databases (gnomAD no frequency). This sequence change creates a premature translational stop signal (p.Tyr1583*) in the ATM gene. It is expected to result in an absent or disrupted protein product. Loss-of-function variants in ATM are known to be pathogenic (PMID: 23807571, 25614872).

Literature cited by the submitters: PubMed 28724667 (cited by Labcorp Genetics (formerly Invitae), Labcorp); PubMed 30607632 (cited by Labcorp Genetics (formerly Invitae), Labcorp); PubMed 23807571 (cited by Labcorp Genetics (formerly Invitae), Labcorp); PubMed 25614872 (cited by Labcorp Genetics (formerly Invitae), Labcorp).